The following is an entry in ClinVar:

ClinVar aggregate classification (germline): Conflicting classifications of pathogenicity. Review status: criteria provided, conflicting classifications (1 of 4 stars). 4 submissions from 4 submitters: Uncertain significance (1); Likely benign (2). 1 of the submissions does not count toward it. Last evaluated 2025-03-12.

Conditions:
CREBBP-related disorder. Also called: CREBBP-related condition; CREBBP-related disorders.
Rubinstein-Taybi syndrome (RSTS). Identifiers: Orphanet 783, MedGen C0035934, MONDO:0019188.

Allele frequency attached by ClinVar (database versions not stated): TOPMed 0.00011; 1000 Genomes Project 30x 0.00016; 1000 Genomes Project 0.00020; gnomAD 0.00004 and 0.00005; gnomAD exomes 0.00004 and 0.00006; ExAC 0.00007; ESP Exome Variant Server 0.00008.
gnomAD v4.1: 77 of 1,614,244 alleles (0.0048%); highest among the groups gnomAD compares: Middle Eastern, 0.033%; no homozygotes.

Submissions (4):

Labcorp Genetics (formerly Invitae), Labcorp
Classification: Likely benign for Rubinstein-Taybi syndrome. Last evaluated: 2025-03-12. Review status: criteria provided, single submitter. Criteria: Invitae Variant Classification Sherloc (09022015). Collection method: clinical testing. Allele origin: germline.

CeGaT Center for Human Genetics Tuebingen
Classification: Likely benign. Last evaluated: 2022-05-01. Review status: criteria provided, single submitter. Criteria: CeGaT Center For Human Genetics Tuebingen Variant Classification Criteria Version 2. Collection method: clinical testing. Allele origin: germline. Affected: yes. Observed: 1 variant allele.
Comment: CREBBP: BP4, BP7

Eurofins Ntd Llc (ga)
Classification: Uncertain significance. Last evaluated: 2014-11-03. Review status: criteria provided, single submitter. Criteria: EGL Classification Definitions 2015. Collection method: clinical testing. Allele origin: germline. Observed: 1 variant allele, 1 heterozygote.

PreventionGenetics, part of Exact Sciences
Classification: Likely benign for CREBBP-related condition. Last evaluated: 2021-05-06. Review status: no assertion criteria provided. Collection method: clinical testing. Allele origin: germline. Not counted in ClinVar's aggregate classification.
Comment: This variant is classified as likely benign based on ACMG/AMP sequence variant interpretation guidelines (Richards et al. 2015 PMID: 25741868, with internal and published modifications).

NM_004380.3(CREBBP):c.711C>T (p.Ser237=)

Gene: CREBBP (CREB binding lysine acetyltransferase; minus strand). Cytogenetic location: 16p13.3.
Variant type: single nucleotide variant.
Coding change: c.711C>T on transcript NM_004380.3 (MANE Select); coding-DNA position 711, C replaced by T.
Protein change: p.Ser237=; no amino-acid change (serine 237 retained).
Molecular consequence: synonymous variant.
Genome position (GRCh38, 1-based): chr16:3,850,384, G>A on the plus strand (C>T on the coding strand, the complement: CREBBP is on the minus strand). VCF-style: chr16-3850384-G-A. GRCh37 (hg19) VCF-style: chr16-3900385-G-A.
Other names: c.711C>T, p.Ser237= (NM_001079846.1).
Identifiers: ClinVar variation 195216 (VCV000195216.39), dbSNP rs146049063, ClinGen allele CA241539.